The following is an entry in ClinVar:

ClinVar aggregate classification (germline): Uncertain significance (1 of 4 stars; one submission).

Conditions:
Early-infantile DEE. Also called: Ohtahara syndrome; Early infantile epileptic encephalopathy; Early infantile epileptic encephalopathy with suppression bursts. Identifiers: Orphanet 1934, MedGen C0393706, MONDO:0800491.

Submission:

Labcorp Genetics (formerly Invitae), Labcorp
Classification: Uncertain significance for Early-infantile DEE. Last evaluated: 2023-02-05. Review status: criteria provided, single submitter. Criteria: Invitae Variant Classification Sherloc (09022015). Collection method: clinical testing. Allele origin: germline.
Comment: Advanced modeling of protein sequence and biophysical properties (such as structural, functional, and spatial information, amino acid conservation, physicochemical variation, residue mobility, and thermodynamic stability) performed at Invitae indicates that this missense variant is not expected to disrupt KCNH5 protein function. This sequence change replaces cysteine, which is neutral and slightly polar, with tyrosine, which is neutral and polar, at codon 571 of the KCNH5 protein (p.Cys571Tyr). This variant is not present in population databases (gnomAD no frequency). This variant has not been reported in the literature in individuals affected with KCNH5-related conditions. In summary, the available evidence is currently insufficient to determine the role of this variant in disease. Therefore, it has been classified as a Variant of Uncertain Significance.

NM_139318.5(KCNH5):c.1712G>A (p.Cys571Tyr)

Gene: KCNH5 (potassium voltage-gated channel subfamily H member 5; minus strand). Cytogenetic location: 14q23.2.
Variant type: single nucleotide variant.
Coding change: c.1712G>A on transcript NM_139318.5 (MANE Select); coding-DNA position 1712, G replaced by A.
Protein change: p.Cys571Tyr; replaces cysteine 571 with tyrosine.
Molecular consequence: missense variant.
Genome position (GRCh38, 1-based): chr14:62,802,439, C>T on the plus strand (G>A on the coding strand, the complement: KCNH5 is on the minus strand). VCF-style: chr14-62802439-C-T. GRCh37 (hg19) VCF-style: chr14-63269157-C-T.
Other names: c.1712G>A, p.Cys571Tyr (NM_172375.3); short protein forms C571Y.
Identifiers: ClinVar variation 2879268 (VCV002879268.3), dbSNP rs766461972, ClinGen allele CA390101793.